The following is an entry in ClinVar:

ClinVar aggregate classification (germline): Uncertain significance (1 of 4 stars; one submission).

Conditions:
Inborn genetic diseases. Identifiers: MedGen C0950123, MeSH D030342.

Submission:

Ambry Genetics
Classification: Uncertain significance for Inborn genetic diseases. Last evaluated: 2022-03-09. Review status: criteria provided, single submitter. Criteria: Ambry Variant Classification Scheme 2023. Collection method: clinical testing. Allele origin: germline.
Comment: The c.90_92dupAGA (p.Q30_D31insE) alteration is located in exon 1 (coding exon 1) of the CHD8 gene. The alteration consists of an in-frame duplication of 3 nucleotides from position 90 to 92, resulting in the duplication of <NA> residues. Based on insufficient or conflicting evidence, the clinical significance of this alteration remains unclear.

NM_001170629.2(CHD8):c.90_92dup (p.Gln30_Asp31insGlu)

Gene: CHD8 (chromodomain helicase DNA binding protein 8; minus strand). Cytogenetic location: 14q11.2.
Variant type: Duplication.
Coding change: c.90_92dup on transcript NM_001170629.2 (MANE Select); coding-DNA positions 90 to 92, 3 bases duplicated (AGA; older notation c.90_92dupAGA).
Protein change: p.Gln30_Asp31insGlu.
Molecular consequence: inframe insertion. On other transcripts: intron variant (1).
Genome position (GRCh38, 1-based): chr14:21,431,552-21,431,554, TCT duplicated on the plus strand (AGA on the coding strand, the reverse complement: CHD8 is on the minus strand); duplicating any 3 consecutive bases within chr14:21,431,552-21,431,555 gives the same sequence; the c. name uses the placement nearest the transcript's 3' end. VCF-style (leftmost placement, unchanged base first): chr14-21431551-G-GTCT. GRCh37 (hg19) VCF-style: chr14-21899710-G-GTCT.
Other names: c.6+257_6+259dup (NM_020920.4).
Identifiers: ClinVar variation 2274917 (VCV002274917.2), dbSNP rs2502016889, ClinGen allele CA2580087839.